The following is an entry in ClinVar:

ClinVar aggregate classification (germline): Uncertain significance (1 of 4 stars; one submission).

Conditions:
Inborn genetic diseases. Identifiers: MedGen C0950123, MeSH D030342.

Submission:

Ambry Genetics
Classification: Uncertain significance for Inborn genetic diseases. Last evaluated: 2025-01-03. Review status: criteria provided, single submitter. Criteria: Ambry Variant Classification Scheme 2023. Collection method: clinical testing. Allele origin: germline.
Comment: The p.T507A variant (also known as c.1519A>G), located in coding exon 9 of the FANCM gene, results from an A to G substitution at nucleotide position 1519. The threonine at codon 507 is replaced by alanine, an amino acid with similar properties. This amino acid position is conserved. In addition, this alteration is predicted to be tolerated by in silico analysis. Based on the available evidence, the clinical significance of this variant remains unclear.

NM_020937.4(FANCM):c.1519A>G (p.Thr507Ala)

Gene: FANCM (FA complementation group M; plus strand). Cytogenetic location: 14q21.2.
Variant type: single nucleotide variant.
Coding change: c.1519A>G on transcript NM_020937.4 (MANE Select); coding-DNA position 1519, A replaced by G.
Protein change: p.Thr507Ala; replaces threonine 507 with alanine.
Molecular consequence: missense variant.
Genome position (GRCh38, 1-based): chr14:45,159,218, A>G. VCF-style: chr14-45159218-A-G. GRCh37 (hg19) VCF-style: chr14-45628421-A-G.
Other names: c.1441A>G, p.Thr481Ala (NM_001308133.2); c.1519A>G, p.Thr507Ala (NM_001308134.2); short protein forms T481A, T507A.
Identifiers: ClinVar variation 3848575 (VCV003848575.1).